The following is an entry in ClinVar:

NM_015662.3(IFT172):c.3562C>T (p.Gln1188Ter)

Genes: IFT172 (intraflagellar transport 172; minus strand), LOC126806173 (BRD4-independent group 4 enhancer GRCh37_chr2:27676057-27677256; plus strand). Cytogenetic location: 2p23.3.
Variant type: single nucleotide variant.
Coding change: c.3562C>T on transcript NM_015662.3 (MANE Select); coding-DNA position 3562, C replaced by T.
Protein change: p.Gln1188Ter; replaces glutamine 1188 with a stop codon.
Molecular consequence: nonsense.
Genome position (GRCh38, 1-based): chr2:27,454,131, G>A on the plus strand (C>T on the coding strand, the complement: IFT172 is on the minus strand). VCF-style: chr2-27454131-G-A. GRCh37 (hg19) VCF-style: chr2-27676998-G-A.
Other names: c.3496C>T, p.Gln1166Ter (NM_001410739.1); short protein forms Q1166*, Q1188*.
Identifiers: ClinVar variation 2939396 (VCV002939396.3), dbSNP rs983926349, ClinGen allele CA44490529.
Genomic context (GRCh38, chr2:27,454,131, plus strand): 5'-GGGCCTGTCCCACAAGCACCTCGGCGACACTGTCAGGGTCGTGAGCCTCAGCCACACGCT[G>A]AGCTGCCTCCCAATCCTGGTTATGGACAAACCTGCCTCCAGGTGGGGACAGAGGAGAGAC-3'

ClinVar aggregate classification (germline): Pathogenic (1 of 4 stars; one submission).

Conditions:
Short-rib thoracic dysplasia 10 with or without polydactyly (SRTD10). Identifiers: Orphanet 474, MedGen C3810175, MONDO:0014284, OMIM 615630.
Retinitis pigmentosa 71 (RP71). Identifiers: Orphanet 791, MedGen C4225342, MONDO:0014618, OMIM 616394.

Allele frequency attached by ClinVar (database versions not stated): gnomAD exomes below 0.00001; TOPMed 0.00001.
gnomAD v4.1: 3 of 1,613,628 alleles (0.00019%); highest among the groups gnomAD compares: African/African-American, 0.0013%; no homozygotes.

Submission:

Labcorp Genetics (formerly Invitae), Labcorp
Classification: Pathogenic for Retinitis pigmentosa 71; Short-rib thoracic dysplasia 10 with or without polydactyly. Last evaluated: 2023-05-09. Review status: criteria provided, single submitter. Criteria: Invitae Variant Classification Sherloc (09022015). Collection method: clinical testing. Allele origin: germline.
Comment: For these reasons, this variant has been classified as Pathogenic. Algorithms developed to predict the effect of sequence changes on RNA splicing suggest that this variant may disrupt the consensus splice site. This variant has not been reported in the literature in individuals affected with IFT172-related conditions. This variant is present in population databases (no rsID available, gnomAD 0.007%). This sequence change creates a premature translational stop signal (p.Gln1188*) in the IFT172 gene. It is expected to result in an absent or disrupted protein product. Loss-of-function variants in IFT172 are known to be pathogenic (PMID: 24140113).

Literature cited by the submitters: PubMed 24140113.